The following is an entry in ClinVar:

NM_005898.5(CAPRIN1):c.807del (p.Asp270fs)

Gene: CAPRIN1 (cell cycle associated protein 1; plus strand). Cytogenetic location: 11p13.
Variant type: Deletion.
Coding change: c.807del on transcript NM_005898.5 (MANE Select); coding-DNA position 807, one base deleted (A; older notation c.807delA).
Protein change: p.Asp270fs; shifts the reading frame from aspartic acid 270.
Molecular consequence: frameshift variant.
Genome position (GRCh38, 1-based): chr11:34,079,746, A deleted; the last of 2 consecutive A bases (chr11:34,079,745-34,079,746); deleting either gives the same sequence. VCF-style (leftmost placement, unchanged base first): chr11-34079744-GA-G. GRCh37 (hg19) VCF-style: chr11-34101291-GA-G.
Other names: c.807del, p.Asp270fs (NM_203364.3); short protein forms D270fs.
Identifiers: ClinVar variation 5007859 (VCV005007859.2).

ClinVar aggregate classification (germline): Uncertain significance (1 of 4 stars; one submission).

Conditions:
Neurodevelopmental disorder with language impairment, autism, and attention deficit-hyperactivity disorder. Identifiers: MedGen C5935603, MONDO:0968945, OMIM 620782.
Neurodegeneration, childhood-onset, with cerebellar ataxia and cognitive decline (CONDCAC). Identifiers: MedGen C5882726, MONDO:0957985, OMIM 620636.

Submission:

Juno Genomics, Hangzhou Juno Genomics, Inc
Classification: Uncertain significance for Neurodevelopmental disorder with language impairment, autism, and attention deficit-hyperactivity disorder; Neurodegeneration, childhood-onset, with cerebellar ataxia and cognitive decline. Review status: criteria provided, single submitter. Criteria: ACMG Guidelines, 2015. Collection method: clinical testing. Allele origin: germline.
Comment: Absent from controls (or at extremely low frequency if recessive) in Genome Aggregation Database.